The following is an entry in ClinVar:

ClinVar aggregate classification (germline): Pathogenic (1 of 4 stars; one submission).

gnomAD v4.1: 1 of 1,614,064 alleles (0.000062%); highest among the groups gnomAD compares: Admixed American, 0.0017%; no homozygotes.

Submission:

Labcorp Genetics (formerly Invitae), Labcorp
Classification: Pathogenic. Last evaluated: 2025-10-13. Review status: criteria provided, single submitter. Criteria: Invitae Variant Classification Sherloc (09022015). Collection method: clinical testing. Allele origin: germline.
Comment: This sequence change creates a premature translational stop signal (p.Gln872*) in the ALPK3 gene. It is expected to result in an absent or disrupted protein product. Loss-of-function variants in ALPK3 are known to be pathogenic (PMID: 21441111, 26846950, 27106955, 34263907). This variant is present in population databases (no rsID available, gnomAD 0.003%). This variant has not been reported in the literature in individuals affected with ALPK3-related conditions. For these reasons, this variant has been classified as Pathogenic.

Literature cited by the submitters: PubMed 21441111; PubMed 26846950; PubMed 27106955; PubMed 34263907.

NM_020778.5(ALPK3):c.2008C>T (p.Gln670Ter)

Gene: ALPK3 (alpha kinase 3; plus strand). Cytogenetic location: 15q25.3.
Variant type: single nucleotide variant.
Coding change: c.2008C>T on transcript NM_020778.5 (MANE Select); coding-DNA position 2008, C replaced by T.
Protein change: p.Gln670Ter; replaces glutamine 670 with a stop codon.
Molecular consequence: nonsense.
Genome position (GRCh38, 1-based): chr15:84,856,746, C>T. VCF-style: chr15-84856746-C-T. GRCh37 (hg19) VCF-style: chr15-85399977-C-T.
Other names: short protein forms Q670*.
Identifiers: ClinVar variation 4768243 (VCV004768243.1).